The following is an entry in ClinVar:

ClinVar aggregate classification (germline): Uncertain significance. Review status: criteria provided, multiple submitters, no conflicts (2 of 4 stars). 2 submissions from 2 submitters: Uncertain significance (2). Last evaluated 2024-05-06.

Conditions:
Hepatic veno-occlusive disease-immunodeficiency syndrome. Also called: Hepatic Veno-Occlusive Disease with Immunodeficiency. Identifiers: Orphanet 79124, MedGen C1856128, MONDO:0009338, OMIM 235550. Disease mechanism: loss of function.

Allele frequency attached by ClinVar (database versions not stated): TOPMed below 0.00001.

Submissions (2):

Women's Health and Genetics/Laboratory Corporation of America, LabCorp
Classification: Uncertain significance. Last evaluated: 2024-05-06. Review status: criteria provided, single submitter. Criteria: LabCorp Variant Classification Summary - May 2015. Collection method: clinical testing. Allele origin: germline.

Labcorp Genetics (formerly Invitae), Labcorp
Classification: Uncertain significance for Hepatic veno-occlusive disease-immunodeficiency syndrome. Last evaluated: 2023-10-13. Review status: criteria provided, single submitter. Criteria: Invitae Variant Classification Sherloc (09022015). Collection method: clinical testing. Allele origin: germline.
Comment: This sequence change falls in intron 4 of the SP110 gene. It does not directly change the encoded amino acid sequence of the SP110 protein. It affects a nucleotide within the consensus splice site. This variant is not present in population databases (gnomAD no frequency). This variant has not been reported in the literature in individuals affected with SP110-related conditions. ClinVar contains an entry for this variant (Variation ID: 2071323). Variants that disrupt the consensus splice site are a relatively common cause of aberrant splicing (PMID: 17576681, 9536098). Algorithms developed to predict the effect of sequence changes on RNA splicing suggest that this variant is not likely to affect RNA splicing. In summary, the available evidence is currently insufficient to determine the role of this variant in disease. Therefore, it has been classified as a Variant of Uncertain Significance.

Literature cited by the submitters: PubMed 17576681 (cited by Labcorp Genetics (formerly Invitae), Labcorp); PubMed 9536098 (cited by Labcorp Genetics (formerly Invitae), Labcorp).

NM_080424.4(SP110):c.583+3G>A

Genes: SP110 (SP110 nuclear body protein; minus strand), SP140 (SP140 nuclear body protein; plus strand). Cytogenetic location: 2q37.1.
Variant type: single nucleotide variant.
Coding change: c.583+3G>A on transcript NM_080424.4 (MANE Select); 3 bases into the intron after coding-DNA position 583, G replaced by A.
Molecular consequence: intron variant.
Genome position (GRCh38, 1-based): chr2:230,212,758, C>T on the plus strand (G>A on the coding strand, the complement: SP110 is on the minus strand). VCF-style: chr2-230212758-C-T. GRCh37 (hg19) VCF-style: chr2-231077473-C-T.
Other names: c.601+3G>A (NM_001378446.1, NM_001378445.1, NM_001378442.1 and 2 more transcripts); c.583+3G>A (NM_004509.5, NM_001378443.1, NM_001378447.1 and 1 more transcripts).
Identifiers: ClinVar variation 2071323 (VCV002071323.5), dbSNP rs201334844, ClinGen allele CA66761361.